The following is an entry in ClinVar:

ClinVar aggregate classification (germline): Uncertain significance. Review status: criteria provided, multiple submitters, no conflicts (2 of 4 stars). 2 submissions from 2 submitters: Uncertain significance (2). Last evaluated 2025-05-22.

Conditions:
Autosomal recessive nonsyndromic hearing loss 12. Also called: DEAFNESS, AUTOSOMAL RECESSIVE 12. Identifiers: Orphanet 90636, MedGen C1832394, MONDO:0011067, OMIM 601386.

Submissions (2):

Women's Health and Genetics/Laboratory Corporation of America, LabCorp
Classification: Uncertain significance. Last evaluated: 2025-05-22. Review status: criteria provided, single submitter. Criteria: LabCorp Variant Classification Summary - May 2015. Collection method: clinical testing. Allele origin: germline.
Comment: Variant summary: ATP2B2 c.2501G>A (p.Gly834Asp) results in a non-conservative amino acid change located in the HAD superfamily/HAD-like domain (IPR023214) of the encoded protein sequence. Algorithms developed to predict the effect of missense changes on protein structure and function all suggest that this variant is likely to be disruptive. The variant was absent in 248472 control chromosomes. The available data on variant occurrences in the general population are insufficient to allow any conclusion about variant significance. To our knowledge, no occurrence of c.2501G>A in individuals affected with ATP2B2-Related Disorders and no experimental evidence demonstrating its impact on protein function have been reported. ClinVar contains an entry for this variant (Variation ID: 2582656). Based on the evidence outlined above, the variant was classified as uncertain significance.

Baylor Genetics
Classification: Uncertain significance for Autosomal recessive nonsyndromic hearing loss 12. Last evaluated: 2023-04-19. Review status: criteria provided, single submitter. Criteria: ACMG Guidelines, 2015. Collection method: clinical testing. Allele origin: unknown.

NM_001001331.4(ATP2B2):c.2501G>A (p.Gly834Asp)

Gene: ATP2B2 (ATPase plasma membrane Ca2+ transporting 2; minus strand). Cytogenetic location: 3p25.3.
Variant type: single nucleotide variant.
Coding change: c.2501G>A on transcript NM_001001331.4 (MANE Select); coding-DNA position 2501, G replaced by A.
Protein change: p.Gly834Asp; replaces glycine 834 with aspartic acid.
Molecular consequence: missense variant.
Genome position (GRCh38, 1-based): chr3:10,346,041, C>T on the plus strand (G>A on the coding strand, the complement: ATP2B2 is on the minus strand). VCF-style: chr3-10346041-C-T. GRCh37 (hg19) VCF-style: chr3-10387725-C-T.
Other names: c.2366G>A, p.Gly789Asp (NM_001330611.3, NM_001353564.1, NM_001363862.1 and 1 more transcripts); short protein forms G789D, G834D.
Identifiers: ClinVar variation 2582656 (VCV002582656.2), dbSNP rs2470175441, ClinGen allele CA351778675.